The following is an entry in ClinVar:

ClinVar aggregate classification (germline): Uncertain significance (1 of 4 stars; one submission).

gnomAD v4.1: 5 of 1,609,480 alleles (0.00031%); highest among the groups gnomAD compares: South Asian, 0.0033%; no homozygotes.

Submission:

Labcorp Genetics (formerly Invitae), Labcorp
Classification: Uncertain significance. Last evaluated: 2024-04-02. Review status: criteria provided, single submitter. Criteria: Invitae Variant Classification Sherloc (09022015). Collection method: clinical testing. Allele origin: germline.
Comment: This sequence change replaces methionine, which is neutral and non-polar, with isoleucine, which is neutral and non-polar, at codon 517 of the RIPK1 protein (p.Met517Ile). This variant is not present in population databases (gnomAD no frequency). This variant has not been reported in the literature in individuals affected with RIPK1-related conditions. Algorithms developed to predict the effect of missense changes on protein structure and function output the following: SIFT: "Not Available"; PolyPhen-2: "Benign"; Align-GVGD: "Not Available". The isoleucine amino acid residue is found in multiple mammalian species, which suggests that this missense change does not adversely affect protein function. In summary, the available evidence is currently insufficient to determine the role of this variant in disease. Therefore, it has been classified as a Variant of Uncertain Significance.

NM_001354930.2(RIPK1):c.1551G>A (p.Met517Ile)

Gene: RIPK1 (receptor interacting serine/threonine kinase 1; plus strand). Cytogenetic location: 6p25.2.
Variant type: single nucleotide variant.
Coding change: c.1551G>A on transcript NM_001354930.2 (MANE Select); coding-DNA position 1551, G replaced by A.
Protein change: p.Met517Ile; replaces methionine 517 with isoleucine.
Molecular consequence: missense variant.
Genome position (GRCh38, 1-based): chr6:3,106,026, G>A. VCF-style: chr6-3106026-G-A. GRCh37 (hg19) VCF-style: chr6-3106260-G-A.
Other names: c.1062G>A, p.Met354Ile (NM_001317061.3, NM_001354932.2, NM_001354933.2 and 1 more transcripts); c.1413G>A, p.Met471Ile (NM_001354931.2); c.1551G>A, p.Met517Ile (NM_003804.6); short protein forms M354I, M471I, M517I.
Identifiers: ClinVar variation 2812406 (VCV002812406.3), dbSNP rs2533348255, ClinGen allele CA362573969.